The following is an entry in ClinVar:

NM_004230.4(S1PR2):c.878G>A (p.Arg293Gln)

Gene: S1PR2 (sphingosine-1-phosphate receptor 2; minus strand). Cytogenetic location: 19p13.2.
Variant type: single nucleotide variant.
Coding change: c.878G>A on transcript NM_004230.4 (MANE Select); coding-DNA position 878, G replaced by A.
Protein change: p.Arg293Gln; replaces arginine 293 with glutamine.
Molecular consequence: missense variant.
Genome position (GRCh38, 1-based): chr19:10,224,028, C>T on the plus strand (G>A on the coding strand, the complement: S1PR2 is on the minus strand). VCF-style: chr19-10224028-C-T. GRCh37 (hg19) VCF-style: chr19-10334704-C-T.
Other names: short protein forms R293Q.
Identifiers: ClinVar variation 517644 (VCV000517644.5), dbSNP rs376403797, ClinGen allele CA9188999.

ClinVar aggregate classification (germline): Uncertain significance (1 of 4 stars; one submission).

Allele frequency attached by ClinVar (database versions not stated): gnomAD 0.00001; TOPMed 0.00001; ESP Exome Variant Server 0.00008; gnomAD exomes below 0.00001; ExAC 0.00001.
gnomAD v4.1: 9 of 1,612,434 alleles (0.00056%); highest among the groups gnomAD compares: East Asian, 0.0045%; no homozygotes.

Submission:

Laboratory for Molecular Medicine, Mass General Brigham Personalized Medicine
Classification: Uncertain significance. Last evaluated: 2017-12-05. Review status: criteria provided, single submitter. Criteria: LMM Criteria. Collection method: clinical testing. Allele origin: germline. Observed: 1 variant allele.
Comment: The p.Arg293Gln variant in S1PR2 has not been previously reported in individuals with hearing loss, but has been identified in 1/17070 East Asian chromosomes an d 1/110140 European chromosomes by the Genome Aggregation Database (gnomAD; dbSNP rs376403797). Although this variant has been seen in the general population, its frequency is not high enough to rule out a pathogenic role. Computational prediction tools and conservation analysis do not provide strong support for or against an impact to the protein. In summary, the clinical significance of the p.Arg293Gln variant is uncertain. ACMG/AMP Criteri a applied: PM2.